The following is an entry in ClinVar:

ClinVar aggregate classification (germline): Uncertain significance (1 of 4 stars; one submission).

Conditions:
Hereditary cancer-predisposing syndrome. Also called: Neoplastic Syndromes, Hereditary; Tumor predisposition; Hereditary neoplastic syndrome; Hereditary Cancer Syndrome. Identifiers: Orphanet 140162, MedGen C0027672, MeSH D009386, MONDO:0015356.

Submission:

Ambry Genetics
Classification: Uncertain significance for Hereditary cancer-predisposing syndrome. Last evaluated: 2026-09-01. Review status: criteria provided, single submitter. Criteria: Ambry Variant Classification Scheme 2023. Collection method: clinical testing. Allele origin: germline.
Comment: The p.M136L variant (also known as c.406A>C), located in coding exon 3 of the XRCC2 gene, results from an A to C substitution at nucleotide position 406. The methionine at codon 136 is replaced by leucine, an amino acid with highly similar properties. This amino acid position is conserved. In addition, this alteration is predicted to be tolerated by in silico analysis. Based on the available evidence, the clinical significance of this variant remains unclear.

NM_005431.2(XRCC2):c.406A>C (p.Met136Leu)

Gene: XRCC2 (X-ray repair cross complementing 2; minus strand). Cytogenetic location: 7q36.1.
Variant type: single nucleotide variant.
Coding change: c.406A>C on transcript NM_005431.2 (MANE Select); coding-DNA position 406, A replaced by C.
Protein change: p.Met136Leu; replaces methionine 136 with leucine.
Molecular consequence: missense variant.
Genome position (GRCh38, 1-based): chr7:152,649,079, T>G on the plus strand (A>C on the coding strand, the complement: XRCC2 is on the minus strand). VCF-style: chr7-152649079-T-G. GRCh37 (hg19) VCF-style: chr7-152346164-T-G.
Other names: short protein forms M136L.
Identifiers: ClinVar variation 5032094 (VCV005032094.1).